The following is an entry in ClinVar:

ClinVar aggregate classification (germline): Uncertain significance (1 of 4 stars; one submission).

Allele frequency attached by ClinVar (database versions not stated): gnomAD exomes below 0.00001.
gnomAD v4.1: 1 of 1,614,146 alleles (0.000062%); highest among the groups gnomAD compares: Non-Finnish European, 0.000085%; no homozygotes.

Submission:

Ambry Genetics
Classification: Uncertain significance. Last evaluated: 2023-05-18. Review status: criteria provided, single submitter. Criteria: Ambry Variant Classification Scheme 2023. Collection method: clinical testing. Allele origin: germline.
Comment: The p.P900S variant (also known as c.2698C>T), located in coding exon 16 of the POLQ gene, results from a C to T substitution at nucleotide position 2698. The proline at codon 900 is replaced by serine, an amino acid with similar properties. This amino acid position is conserved. In addition, this alteration is predicted to be tolerated by in silico analysis. Since supporting evidence is limited at this time, the clinical significance of this alteration remains unclear.

NM_199420.4(POLQ):c.2698C>T (p.Pro900Ser)

Gene: POLQ (DNA polymerase theta; minus strand). Cytogenetic location: 3q13.33.
Variant type: single nucleotide variant.
Coding change: c.2698C>T on transcript NM_199420.4 (MANE Select); coding-DNA position 2698, C replaced by T.
Protein change: p.Pro900Ser; replaces proline 900 with serine.
Molecular consequence: missense variant.
Genome position (GRCh38, 1-based): chr3:121,490,233, G>A on the plus strand (C>T on the coding strand, the complement: POLQ is on the minus strand). VCF-style: chr3-121490233-G-A. GRCh37 (hg19) VCF-style: chr3-121209080-G-A.
Other names: short protein forms P900S.
Identifiers: ClinVar variation 2563855 (VCV002563855.2), dbSNP rs1560098238, ClinGen allele CA354105116.